The following is an entry in ClinVar:

ClinVar aggregate classification (germline): Likely pathogenic (1 of 4 stars; one submission).

Conditions:
Intellectual developmental disorder, X-linked, syndromic, Turner type. Also called: X-linked intellectual disability, Turner type; Intellectual disability, X-linked syndromic, Turner type. Identifiers: Orphanet 3056, Orphanet 85328, MedGen C2678046, MONDO:0010407, OMIM 309590.

Submission:

3billion
Classification: Likely pathogenic for Intellectual developmental disorder, X-linked, syndromic, Turner type. Last evaluated: 2023-10-24. Review status: criteria provided, single submitter. Criteria: ACMG Guidelines, 2015. Collection method: clinical testing. Allele origin: germline. Affected: yes.
Comment: The variant is not observed in the gnomAD v2.1.1 dataset. Predicted Consequence/Location: The variant is located in a mutational hot spot and/or well-established functional domain in which established pathogenic variants have been reported (PMID: 35937685). In silico tool predictions suggest damaging effect of the variant on gene or gene product [REVEL: 0.67 (>=0.6, sensitivity 0.68 and specificity 0.92); 3Cnet: 0.97 (>=0.6, sensitivity 0.72 and precision 0.9)]. A different missense change at the same codon (p.Asn4075Lys) has been reported to be associated with HUWE1 related disorder (ClinVar ID: VCV000375720 /PMID: 29180823). Therefore, this variant is classified as Likely pathogenic according to the recommendation of ACMG/AMP guideline.

Literature cited by the submitters: PubMed 35937685; PubMed 29180823.

NM_031407.7(HUWE1):c.12224A>T (p.Asn4075Ile)

Gene: HUWE1 (HECT, UBA and WWE domain containing E3 ubiquitin protein ligase 1; minus strand). Cytogenetic location: Xp11.22.
Variant type: single nucleotide variant.
Coding change: c.12224A>T on transcript NM_031407.7 (MANE Select); coding-DNA position 12224, A replaced by T.
Protein change: p.Asn4075Ile; replaces asparagine 4075 with isoleucine.
Molecular consequence: missense variant.
Genome position (GRCh38, 1-based): chrX:53,536,581, T>A on the plus strand (A>T on the coding strand, the complement: HUWE1 is on the minus strand). VCF-style: chrX-53536581-T-A. GRCh37 (hg19) VCF-style: chrX-53563542-T-A.
Other names: short protein forms N4075I.
Identifiers: ClinVar variation 3775293 (VCV003775293.1).
Genomic context (GRCh38, chrX:53,536,581, plus strand): 5'-GGATTGATGGTGTAGGTGACTCGATCACCAGGTGAGGTACGGAACAAGGCATACATAGGG[T>A]TAAACATCTCTCGAGAGATGATCATATACCACTCCCGCAGGAGCCCACCAGCATCCTGCC-3'
Protein context (NP_113584.3, residues 4065-4085): WYMIISREMF[Asn4075Ile]PMYALFRTSP